The following is an entry in ClinVar:

ClinVar aggregate classification (germline): Uncertain significance (1 of 4 stars; one submission).

Conditions:
EP300-related disorder. Also called: EP300-related condition; EP300-related disorders.

Submission:

PreventionGenetics, part of Exact Sciences
Classification: Uncertain significance for EP300-related condition. Last evaluated: 2025-07-29. Review status: criteria provided, single submitter. Criteria: ACMG Guidelines, 2015. Collection method: clinical testing. Allele origin: germline.
Comment: The EP300 c.134A>G variant is predicted to result in the amino acid substitution p.Asp45Gly. To our knowledge, this variant has not been reported in the literature or in a large population database (gnomAD), indicating this variant is rare. At this time, the clinical significance of this variant is uncertain due to the absence of conclusive functional and genetic evidence.

NM_001429.4(EP300):c.134A>G (p.Asp45Gly)

Gene: EP300 (EP300 lysine acetyltransferase; plus strand). Cytogenetic location: 22q13.2.
Variant type: single nucleotide variant.
Coding change: c.134A>G on transcript NM_001429.4 (MANE Select); coding-DNA position 134, A replaced by G.
Protein change: p.Asp45Gly; replaces aspartic acid 45 with glycine.
Molecular consequence: missense variant.
Genome position (GRCh38, 1-based): chr22:41,117,226, A>G. VCF-style: chr22-41117226-A-G. GRCh37 (hg19) VCF-style: chr22-41513230-A-G.
Other names: c.134A>G, p.Asp45Gly (NM_001362843.2); short protein forms D45G.
Identifiers: ClinVar variation 4995111 (VCV004995111.1).